The following is an entry in ClinVar:

NM_000038.6(APC):c.1243G>A (p.Ala415Thr)

Gene: APC (APC regulator of Wnt signaling pathway; plus strand). Cytogenetic location: 5q22.2.
Variant type: single nucleotide variant.
Coding change: c.1243G>A on transcript NM_000038.6 (MANE Select); coding-DNA position 1243, G replaced by A.
Protein change: p.Ala415Thr; replaces alanine 415 with threonine.
Molecular consequence: missense variant.
Genome position (GRCh38, 1-based): chr5:112,819,275, G>A. VCF-style: chr5-112819275-G-A. GRCh37 (hg19) VCF-style: chr5-112154972-G-A.
Other names: c.1243G>A, p.Ala415Thr (NM_001127510.3, NM_001354895.2, NM_001354896.2); c.1189G>A, p.Ala397Thr (NM_001127511.3); c.1273G>A, p.Ala425Thr (NM_001354897.2); c.1168G>A, p.Ala390Thr (NM_001354898.2); c.1159G>A, p.Ala387Thr (NM_001354899.2); c.1066G>A, p.Ala356Thr (NM_001354900.2, NM_001354901.2); c.970G>A, p.Ala324Thr (NM_001354902.2); c.940G>A, p.Ala314Thr (NM_001354903.2); and 3 more; short protein forms A397T, A415T, A324T, A356T, A132T, A314T, A390T, A425T.
Identifiers: ClinVar variation 217920 (VCV000217920.44), dbSNP rs756336949, ClinGen allele CA026910.

ClinVar aggregate classification (germline): Conflicting classifications of pathogenicity. Review status: criteria provided, conflicting classifications (1 of 4 stars). 13 submissions from 13 submitters: Uncertain significance (11); Likely benign (1). 1 of the submissions does not count toward it. Last evaluated 2026-01-31.

Conditions:
APC-related disorder. Also called: APC-related condition.
Classic or attenuated familial adenomatous polyposis. Identifiers: MedGen CN372698, MONDO:0021057.
Hereditary cancer-predisposing syndrome. Also called: Neoplastic Syndromes, Hereditary; Tumor predisposition; Hereditary Cancer Syndrome; Hereditary neoplastic syndrome. Identifiers: Orphanet 140162, MedGen C0027672, MeSH D009386, MONDO:0015356.
Familial adenomatous polyposis 1 (FAP1). Also called: FAMILIAL ADENOMATOUS POLYPOSIS 1, ATTENUATED; POLYPOSIS, ADENOMATOUS INTESTINAL. Identifiers: MedGen C2713442, MONDO:0021056, OMIM 175100. Disease mechanism: loss of function.

Allele frequency attached by ClinVar (database versions not stated): gnomAD 0.00001; ExAC 0.00002; gnomAD exomes 0.00002; TOPMed 0.00004.

Submissions (13):

Labcorp Genetics (formerly Invitae), Labcorp
Classification: Uncertain significance for Familial adenomatous polyposis 1. Last evaluated: 2026-01-31. Review status: criteria provided, single submitter. Criteria: Invitae Variant Classification Sherloc (09022015). Collection method: clinical testing. Allele origin: germline.
Comment: This sequence change replaces alanine, which is neutral and non-polar, with threonine, which is neutral and polar, at codon 415 of the APC protein (p.Ala415Thr). This variant is present in population databases (rs756336949, gnomAD 0.009%). This missense change has been observed in individual(s) with endometrial cancer and colon cancer (PMID: 27443514, 27978560). ClinVar contains an entry for this variant (Variation ID: 217920). Invitae Evidence Modeling of protein sequence and biophysical properties (such as structural, functional, and spatial information, amino acid conservation, physicochemical variation, residue mobility, and thermodynamic stability) indicates that this missense variant is not expected to disrupt APC protein function with a negative predictive value of 95%. In summary, the available evidence is currently insufficient to determine the role of this variant in disease. Therefore, it has been classified as a Variant of Uncertain Significance.

PreventionGenetics, part of Exact Sciences
Classification: Uncertain significance for APC-related condition. Last evaluated: 2025-12-03. Review status: criteria provided, single submitter. Criteria: ACMG Guidelines, 2015. Collection method: clinical testing. Allele origin: germline.
Comment: The APC c.1243G>A variant is predicted to result in the amino acid substitution p.Ala415Thr. This variant has been observed in individuals with colon cancer or endometrial cancer (eTable 2, Pearlman et al. 2017. PubMed ID: 27978560; Supp. Table 2, Ring et al. 2016. PubMed ID: 27443514). This variant is reported in 0.0087% of alleles in individuals of Latino descent in gnomAD and is interpreted as uncertain in ClinVar (Variation ID: 217920). At this time, the clinical significance of this variant is uncertain due to the absence of conclusive functional and genetic evidence.

Color Diagnostics, LLC DBA Color Health
Classification: Likely benign for Hereditary cancer-predisposing syndrome. Last evaluated: 2025-11-11. Review status: criteria provided, single submitter. Criteria: ACMG Guidelines, 2015. Collection method: clinical testing. Allele origin: germline.

Women's Health and Genetics/Laboratory Corporation of America, LabCorp
Classification: Uncertain significance. Last evaluated: 2025-10-13. Review status: criteria provided, single submitter. Criteria: LabCorp Variant Classification Summary - May 2015. Collection method: clinical testing. Allele origin: germline.
Comment: Variant summary: APC c.1243G>A (p.Ala415Thr) results in a non-conservative amino acid change in the encoded protein sequence. Algorithms developed to predict the effect of missense changes on protein structure and function are either unavailable or do not agree on the potential impact of this missense change. The variant allele was found at a frequency of 2e-05 in 250582 control chromosomes. The available data on variant occurrences in the general population are insufficient to allow any conclusion about variant significance. c.1243G>A has been observed in individual(s) affected with colorectal and endometrial cancer (Pearlman_2017, Ring_2017). These report(s) do not provide unequivocal conclusions about association of the variant with Familial Adenomatous Polyposis. To our knowledge, no experimental evidence demonstrating an impact on protein function has been reported. The following publications have been ascertained in the context of this evaluation (PMID: 27978560, 27443514). ClinVar contains an entry for this variant (Variation ID: 217920). Based on the evidence outlined above, the variant was classified as uncertain significance.

Ambry Genetics
Classification: Uncertain significance for Hereditary cancer-predisposing syndrome. Last evaluated: 2025-02-25. Review status: criteria provided, single submitter. Criteria: Ambry Variant Classification Scheme 2023. Collection method: clinical testing. Allele origin: germline.
Comment: The p.A415T variant (also known as c.1243G>A), located in coding exon 9 of the APC gene, results from a G to A substitution at nucleotide position 1243. The alanine at codon 415 is replaced by threonine, an amino acid with similar properties. It has also been reported in a cohort of 381 endometrial carcinoma patients who had undergone tumor testing to screen for Lynch syndrome (Ring KL et al. Mod. Pathol. 2016 Nov;29:1381-1389). This amino acid position is well conserved in available vertebrate species. In addition, in silico predictors for this gene do not accurately predict pathogenicity. Since supporting evidence is limited at this time, the clinical significance of this alteration remains unclear.

GeneDx
Classification: Uncertain significance. Last evaluated: 2024-08-30. Review status: criteria provided, single submitter. Criteria: GeneDx Variant Classification Process June 2021. Collection method: clinical testing. Allele origin: germline. Affected: yes.
Comment: Not observed at significant frequency in large population cohorts (gnomAD); In silico analysis indicates that this missense variant does not alter protein structure/function; This variant is associated with the following publications: (PMID: 27443514, 27978560, 25980754)

Quest Diagnostics Nichols Institute San Juan Capistrano
Classification: Uncertain significance. Last evaluated: 2024-07-23. Review status: criteria provided, single submitter. Criteria: Quest Diagnostics criteria. Collection method: clinical testing. Allele origin: unknown.
Comment: The APC c.1243G>A (p.Ala415Thr) variant has been reported in the published literature in individuals with endometrial cancer (PMID: 27443514 (2016)) and colon cancer (PMID: 27978560 (2016)). The frequency of this variant in the general population, 0.000087 (3/34520 chromosomes in Admixed American subpopulation (Genome Aggregation Database)), is higher than would generally be expected for pathogenic variants in this gene. Analysis of this variant using bioinformatics tools for the prediction of the effect of amino acid changes on protein structure and function yielded predictions that this variant is damaging. Based on the available information, we are unable to determine the clinical significance of this variant.

Baylor Genetics
Classification: Uncertain significance for Familial adenomatous polyposis 1. Last evaluated: 2024-03-27. Review status: criteria provided, single submitter. Criteria: ACMG Guidelines, 2015. Collection method: clinical testing. Allele origin: unknown.

All of Us Research Program, National Institutes of Health
Classification: Uncertain significance for Classic or attenuated familial adenomatous polyposis. Last evaluated: 2023-12-13. Review status: criteria provided, single submitter. Criteria: ACMG Guidelines, 2015. Collection method: clinical testing. Allele origin: germline. Inheritance: Autosomal dominant inheritance. Observed: 5 variant alleles, 5 heterozygotes.
Comment: This missense variant replaces alanine with threonine at codon 415 of the APC protein. Computational prediction suggests that this variant may not impact protein structure and function (internally defined REVEL score threshold <= 0.5, PMID: 27666373). To our knowledge, functional studies have not been reported for this variant. This variant has been reported in individuals affected with endometrial cancer (PMID: 27443514) and early-onset colon cancer (PMID: 27978560). This variant has been identified in 5/250582 chromosomes in the general population by the Genome Aggregation Database (gnomAD). The available evidence is insufficient to determine the role of this variant in disease conclusively. Therefore, this variant is classified as a Variant of Uncertain Significance.

This study involves interpretation of variants in research participants for the purpose of population health screening. Participant phenotype was not available at the time of variant classification. Additional details can be found in publication PMID: 35346344, PMCID: PMC8962531

Sema4
Classification: Uncertain significance for Hereditary cancer-predisposing syndrome. Last evaluated: 2021-05-21. Review status: criteria provided, single submitter. Criteria: Sema4 Curation Guidelines. Collection method: curation. Allele origin: germline.
Comment: The APC c.1243G>A (p.A415T) variant has been reported in at least two individuals with either early onset colorectal cancer or endometrial cancer (PMID: 27978560, 27443514). It was observed in 3/34520 chromosomes of the Latino subpopulation in the large and broad cohorts of the Genome Aggregation Database (PMID: 32461654). This variant has been reported in ClinVar (Variation ID 217920). Functional studies have not been performed, and in silico predictions of the variant's effect on protein function are inconclusive. The evidence is insufficient to meet ACMG/AMP criteria for classifying the variant as benign or pathogenic. Thus, the clinical significance of this variant is currently uncertain.

Genetic Services Laboratory, University of Chicago
Classification: Uncertain significance. Last evaluated: 2020-11-03. Review status: criteria provided, single submitter. Criteria: ACMG Guidelines, 2015. Collection method: clinical testing. Allele origin: germline. Affected: no.
Comment: DNA sequence analysis of the APC gene demonstrated a sequence change, c.1243G>A, in exon 10 that results in an amino acid change, p.Ala415Thr. This sequence change has been described in the gnomAD database in five individuals with an overall population frequency of 0.002% (dbSNP rs756336949). The p.Ala415Thr change has been reported in individuals with endometrial cancer and colon cancer (PMIDs: 27443514, 27978560). The p.Ala415Thr change affects a highly conserved amino acid residue located in a domain of the APC protein that is known to be functional. In-silico pathogenicity prediction tools (SIFT, PolyPhen2, Align GVGD, REVEL) provide contradictory results for the p.Ala415Thr substitution. Due to these contrasting evidences and the lack of functional studies, the clinical significance of the p.Ala415Thr change remains unknown at this time.

Mendelics
Classification: Uncertain significance for Familial adenomatous polyposis 1. Last evaluated: 2019-05-28. Review status: criteria provided, single submitter. Criteria: Mendelics Assertion Criteria 2017. Collection method: clinical testing. Allele origin: unknown.

Mayo Clinic Laboratories, Mayo Clinic
Classification: Uncertain significance. Review status: no assertion criteria provided. Collection method: research. Allele origin: unknown. Observed: 1 variant allele. Not counted in ClinVar's aggregate classification.

Literature cited by the submitters: PubMed 27443514 (cited by 6 submitters); PubMed 27978560 (cited by 6 submitters); PubMed 25980754 (cited by Ambry Genetics).